The following is an entry in ClinVar:

ClinVar aggregate classification (germline): Uncertain significance (1 of 4 stars; one submission).

Conditions:
Hereditary cancer-predisposing syndrome. Also called: Hereditary neoplastic syndrome; Neoplastic Syndromes, Hereditary; Tumor predisposition; Hereditary Cancer Syndrome. Identifiers: Orphanet 140162, MedGen C0027672, MeSH D009386, MONDO:0015356.

Submission:

Ambry Genetics
Classification: Uncertain significance for Hereditary cancer-predisposing syndrome. Last evaluated: 2025-08-31. Review status: criteria provided, single submitter. Criteria: Ambry Variant Classification Scheme 2023. Collection method: clinical testing. Allele origin: germline.
Comment: The p.A441S variant (also known as c.1321G>T), located in coding exon 12 of the NF2 gene, results from a G to T substitution at nucleotide position 1321. The alanine at codon 441 is replaced by serine, an amino acid with similar properties. This amino acid position is conserved. In addition, the in silico prediction for this alteration is inconclusive. Based on the available evidence, the clinical significance of this variant remains unclear.

NM_000268.4(NF2):c.1321G>T (p.Ala441Ser)

Gene: NF2 (NF2, moesin-ezrin-radixin like (MERLIN) tumor suppressor; plus strand). Cytogenetic location: 22q12.2.
Variant type: single nucleotide variant.
Coding change: c.1321G>T on transcript NM_000268.4 (MANE Select); coding-DNA position 1321, G replaced by T.
Protein change: p.Ala441Ser; replaces alanine 441 with serine.
Molecular consequence: missense variant. On other transcripts: intron variant (1).
Genome position (GRCh38, 1-based): chr22:29,673,467, G>T. VCF-style: chr22-29673467-G-T. GRCh37 (hg19) VCF-style: chr22-30069456-G-T.
Other names: c.1198G>T, p.Ala400Ser (NM_181829.3, NM_001407054.1, NM_001407058.1); c.1072G>T, p.Ala358Ser (NM_181830.3, NM_181831.3, NM_001407063.1 and 1 more transcripts); c.1321G>T, p.Ala441Ser (NM_181832.3, NM_001407060.1, NM_001407066.1 and 2 more transcripts); c.448-21285G>T (NM_181833.3); c.1186G>T, p.Ala396Ser (NM_001407059.1, NM_001407057.1); c.1063G>T, p.Ala355Ser (NM_001407062.1); c.787G>T, p.Ala263Ser (NM_001407065.1); c.1090G>T, p.Ala364Ser (NM_001407067.1); and 2 more; short protein forms A263S, A358S, A396S, A400S, A403S, A364S, A399S, A355S.
Identifiers: ClinVar variation 4119227 (VCV004119227.1).
Genomic context (GRCh38, chr22:29,673,467, plus strand): 5'-GAGGAGAAGCGCCTGATGGAGCAGAAGGTGCTGGAAGCCGAGGTGCTGGCACTGAAGATG[G>T]CTGAGGAGTCAGAGAGGAGGTGAGGGGGCACCGGGCACCAGACTGGCGAGGAGGCTGGCG-3'
Protein context (NP_000259.1, residues 431-451): LEAEVLALKM[Ala441Ser]EESERRAKEA